The following is an entry in ClinVar:

NM_002905.5(RDH5):c.196G>A (p.Glu66Lys)

Genes: BLOC1S1-RDH5 (BLOC1S1-RDH5 readthrough; plus strand), RDH5 (retinol dehydrogenase 5; plus strand). Cytogenetic location: 12q13.2.
Variant type: single nucleotide variant.
Coding change: c.196G>A on transcript NM_002905.5 (MANE Select); coding-DNA position 196, G replaced by A.
Protein change: p.Glu66Lys; replaces glutamic acid 66 with lysine.
Molecular consequence: missense variant.
Genome position (GRCh38, 1-based): chr12:55,721,380, G>A. VCF-style: chr12-55721380-G-A. GRCh37 (hg19) VCF-style: chr12-56115164-G-A.
Other names: c.196G>A (NM_002905.3); c.196G>A, p.Glu66Lys (NM_001199771.3); short protein forms E66K.
Identifiers: ClinVar variation 2193932 (VCV002193932.8), dbSNP rs140046452, ClinGen allele CA6616766.

ClinVar aggregate classification (germline): Uncertain significance. Review status: criteria provided, multiple submitters, no conflicts (2 of 4 stars). 4 submissions from 4 submitters: Uncertain significance (4). Last evaluated 2026-05-21.

Conditions:
RDH5-related disorder. Also called: RDH5-related condition.
Inborn genetic diseases. Identifiers: MedGen C0950123, MeSH D030342.

Allele frequency attached by ClinVar (database versions not stated): TOPMed 0.00003; ExAC 0.00005; gnomAD 0.00006; gnomAD exomes 0.00006; ESP Exome Variant Server 0.00008.
gnomAD v4.1: 99 of 1,613,856 alleles (0.0061%); highest among the groups gnomAD compares: Admixed American, 0.018%; no homozygotes.

Submissions (4):

PreventionGenetics, part of Exact Sciences
Classification: Uncertain significance for RDH5-related condition. Last evaluated: 2026-05-21. Review status: criteria provided, single submitter. Criteria: ACMG Guidelines, 2015. Collection method: clinical testing. Allele origin: germline.
Comment: The RDH5 c.196G>A variant is predicted to result in the amino acid substitution p.Glu66Lys. To our knowledge, this variant has not been reported in the literature. This variant is reported in 0.025% of alleles in individuals of Latino descent in gnomAD. At this time, the clinical significance of this variant is uncertain due to the absence of conclusive functional and genetic evidence.

Labcorp Genetics (formerly Invitae), Labcorp
Classification: Uncertain significance. Last evaluated: 2025-11-10. Review status: criteria provided, single submitter. Criteria: Invitae Variant Classification Sherloc (09022015). Collection method: clinical testing. Allele origin: germline.
Comment: This sequence change replaces glutamic acid, which is acidic and polar, with lysine, which is basic and polar, at codon 66 of the RDH5 protein (p.Glu66Lys). This variant is present in population databases (rs140046452, gnomAD 0.03%). This variant has not been reported in the literature in individuals affected with RDH5-related conditions. ClinVar contains an entry for this variant (Variation ID: 2193932). An algorithm developed to predict the effect of missense changes on protein structure and function outputs the following: PolyPhen-2: "Benign". The lysine amino acid residue is found in multiple mammalian species, which suggests that this missense change does not adversely affect protein function. In summary, the available evidence is currently insufficient to determine the role of this variant in disease. Therefore, it has been classified as a Variant of Uncertain Significance.

Ambry Genetics
Classification: Uncertain significance for Inborn genetic diseases. Last evaluated: 2025-03-26. Review status: criteria provided, single submitter. Criteria: Ambry Variant Classification Scheme 2023. Collection method: clinical testing. Allele origin: germline.

Blueprint Genetics
Classification: Uncertain significance. Last evaluated: 2024-07-29. Review status: criteria provided, single submitter. Criteria: ACMG Guidelines, 2015. Collection method: clinical testing. Allele origin: germline.